The following is an entry in ClinVar:

NM_000059.4(BRCA2):c.2221G>C (p.Val741Leu)

Gene: BRCA2 (BRCA2 DNA repair associated; plus strand). Cytogenetic location: 13q13.1.
Variant type: single nucleotide variant.
Coding change: c.2221G>C on transcript NM_000059.4 (MANE Select); coding-DNA position 2221, G replaced by C.
Protein change: p.Val741Leu; replaces valine 741 with leucine.
Molecular consequence: missense variant.
Genome position (GRCh38, 1-based): chr13:32,336,576, G>C. VCF-style: chr13-32336576-G-C. GRCh37 (hg19) VCF-style: chr13-32910713-G-C.
Other names: short protein forms V741L.
Identifiers: ClinVar variation 628936 (VCV000628936.15), dbSNP rs80358493, ClinGen allele CA387770674.

ClinVar aggregate classification (germline): Conflicting classifications of pathogenicity. Review status: criteria provided, conflicting classifications (1 of 4 stars). 4 submissions from 4 submitters: Uncertain significance (2); Likely benign (2). Last evaluated 2024-07-03.

Conditions:
Hereditary cancer-predisposing syndrome. Also called: Neoplastic Syndromes, Hereditary; Tumor predisposition; Hereditary neoplastic syndrome; Hereditary Cancer Syndrome. Identifiers: Orphanet 140162, MedGen C0027672, MeSH D009386, MONDO:0015356.
Hereditary breast ovarian cancer syndrome. Also called: Hereditary breast and ovarian cancer syndrome; Hereditary breast and ovarian cancer; Hereditary breast and ovarian cancer syndrome (HBOC); Breast and ovarian cancer; Hereditary breast and/or ovarian cancer syndrome; BRCA1- and BRCA2-Associated Hereditary Breast and Ovarian Cancer. Identifiers: Orphanet 145, MedGen C0677776, MeSH D061325, MONDO:0003582. Disease mechanism: loss of function.

Submissions (4):

Ambry Genetics
Classification: Likely benign for Hereditary cancer-predisposing syndrome. Last evaluated: 2024-07-03. Review status: criteria provided, single submitter. Criteria: Ambry Variant Classification Scheme 2023. Collection method: clinical testing. Allele origin: germline.

Labcorp Genetics (formerly Invitae), Labcorp
Classification: Uncertain significance for Hereditary breast ovarian cancer syndrome. Last evaluated: 2024-06-12. Review status: criteria provided, single submitter. Criteria: Invitae Variant Classification Sherloc (09022015). Collection method: clinical testing. Allele origin: germline.
Comment: This sequence change replaces valine, which is neutral and non-polar, with leucine, which is neutral and non-polar, at codon 741 of the BRCA2 protein (p.Val741Leu). This variant is not present in population databases (gnomAD no frequency). This variant has not been reported in the literature in individuals affected with BRCA2-related conditions. ClinVar contains an entry for this variant (Variation ID: 628936). Advanced modeling of protein sequence and biophysical properties (such as structural, functional, and spatial information, amino acid conservation, physicochemical variation, residue mobility, and thermodynamic stability) performed at Invitae indicates that this missense variant is not expected to disrupt BRCA2 protein function with a negative predictive value of 95%. In summary, the available evidence is currently insufficient to determine the role of this variant in disease. Therefore, it has been classified as a Variant of Uncertain Significance.

University of Washington Department of Laboratory Medicine, University of Washington
Classification: Likely benign for Hereditary cancer-predisposing syndrome. Last evaluated: 2023-03-23. Review status: criteria provided, single submitter. Criteria: Dines et al. (Genet Med. 2020). Collection method: curation. Allele origin: germline.
Comment: Missense variant in a coldspot region where missense variants are very unlikely to be pathogenic (PMID:31911673).

BRCA2 exon 11 coldspot. Reclassification based on statistical prior probability.

Color Diagnostics, LLC DBA Color Health
Classification: Uncertain significance for Hereditary cancer-predisposing syndrome. Last evaluated: 2019-04-15. Review status: criteria provided, single submitter. Criteria: ACMG Guidelines, 2015. Collection method: clinical testing. Allele origin: germline.